The following is an entry in ClinVar:

ClinVar aggregate classification (germline): Likely benign. Review status: criteria provided, multiple submitters, no conflicts (2 of 4 stars). 4 submissions from 4 submitters: Likely benign (3). 1 of the submissions does not count toward it. Last evaluated 2026-09-01.

Conditions:
SMAD3-related disorder. Also called: SMAD3-related condition.

Allele frequency attached by ClinVar (database versions not stated): gnomAD exomes 0.00002; gnomAD 0.00005 and 0.00006; TOPMed 0.00005.
gnomAD v4.1: 127 of 1,549,448 alleles (0.0082%); highest among the groups gnomAD compares: Middle Eastern, 0.033%; no homozygotes.

Submissions (4):

CeGaT Center for Human Genetics Tuebingen
Classification: Likely benign. Last evaluated: 2026-09-01. Review status: criteria provided, single submitter. Criteria: CeGaT Center For Human Genetics Tuebingen Variant Classification Criteria Version 2. Collection method: clinical testing. Allele origin: germline. Affected: yes. Observed: 2 variant alleles.
Comment: SMAD3: BP4

Molecular Diagnostic Laboratory for Inherited Cardiovascular Disease, Montreal Heart Institute
Classification: Likely benign. Last evaluated: 2025-04-08. Review status: criteria provided, single submitter. Criteria: ACMG Guidelines, 2015. Collection method: clinical testing. Allele origin: germline. Affected: no.

GeneDx
Classification: Likely benign. Last evaluated: 2016-01-28. Review status: criteria provided, single submitter. Criteria: GeneDx Variant Classification (06012015). Collection method: clinical testing. Allele origin: germline. Affected: yes.
Comment: This variant is considered likely benign or benign based on one or more of the following criteria: it is a conservative change, it occurs at a poorly conserved position in the protein, it is predicted to be benign by multiple in silico algorithms, and/or has population frequency not consistent with disease.

PreventionGenetics, part of Exact Sciences
Classification: Likely benign for SMAD3-related condition. Last evaluated: 2021-05-08. Review status: no assertion criteria provided. Collection method: clinical testing. Allele origin: germline. Not counted in ClinVar's aggregate classification.
Comment: This variant is classified as likely benign based on ACMG/AMP sequence variant interpretation guidelines (Richards et al. 2015 PMID: 25741868, with internal and published modifications).

NM_005902.4(SMAD3):c.207-26869C>A

Gene: SMAD3 (SMAD family member 3; plus strand). Cytogenetic location: 15q22.33.
Variant type: single nucleotide variant.
Coding change: c.207-26869C>A on transcript NM_005902.4 (MANE Select); 26869 bases into the intron before coding-DNA position 207, C replaced by A.
Molecular consequence: intron variant. On other transcripts: 5 prime UTR variant (2).
Genome position (GRCh38, 1-based): chr15:67,138,026, C>A. VCF-style: chr15-67138026-C-A. GRCh37 (hg19) VCF-style: chr15-67430364-C-A.
Other names: c.-1C>A (NM_001145103.2); c.-606C>A (NM_001407016.1); c.207-26869C>A (NM_001407011.1, NM_001407013.1, NM_001407012.1); c.60-26869C>A (NM_001407014.1); c.-110+12042C>A (NM_001145102.2, NM_001407015.1).
Identifiers: ClinVar variation 383393 (VCV000383393.10), dbSNP rs958007552, ClinGen allele CA16606761.